The following is an entry in ClinVar:

ClinVar aggregate classification (germline): Uncertain significance (1 of 4 stars; one submission).

Submission:

Labcorp Genetics (formerly Invitae), Labcorp
Classification: Uncertain significance. Last evaluated: 2022-07-25. Review status: criteria provided, single submitter. Criteria: Invitae Variant Classification Sherloc (09022015). Collection method: clinical testing. Allele origin: germline.
Comment: This sequence change replaces cysteine, which is neutral and slightly polar, with tryptophan, which is neutral and slightly polar, at codon 496 of the CNTNAP1 protein (p.Cys496Trp). This variant is not present in population databases (gnomAD no frequency). This variant has not been reported in the literature in individuals affected with CNTNAP1-related conditions. Algorithms developed to predict the effect of missense changes on protein structure and function (SIFT, PolyPhen-2, Align-GVGD) all suggest that this variant is likely to be disruptive. In summary, the available evidence is currently insufficient to determine the role of this variant in disease. Therefore, it has been classified as a Variant of Uncertain Significance.

NM_003632.3(CNTNAP1):c.1488C>G (p.Cys496Trp)

Gene: CNTNAP1 (contactin associated protein 1; plus strand). Cytogenetic location: 17q21.2.
Variant type: single nucleotide variant.
Coding change: c.1488C>G on transcript NM_003632.3 (MANE Select); coding-DNA position 1488, C replaced by G.
Protein change: p.Cys496Trp; replaces cysteine 496 with tryptophan.
Molecular consequence: missense variant.
Genome position (GRCh38, 1-based): chr17:42,688,907, C>G. VCF-style: chr17-42688907-C-G. GRCh37 (hg19) VCF-style: chr17-40840925-C-G.
Other names: short protein forms C496W.
Identifiers: ClinVar variation 1719485 (VCV001719485.5), dbSNP rs2543794310, ClinGen allele CA399639705.